The following is an entry in ClinVar:

ClinVar aggregate classification (germline): Pathogenic (1 of 4 stars; one submission).

Conditions:
Duchenne muscular dystrophy (DMD). Also called: Duchenne Muscular Dystrophy (DMD); MUSCULAR DYSTROPHY, PSEUDOHYPERTROPHIC PROGRESSIVE, DUCHENNE TYPE. Identifiers: Orphanet 98896, MedGen C0013264, MONDO:0010679, OMIM 310200.

Submission:

Labcorp Genetics (formerly Invitae), Labcorp
Classification: Pathogenic for Duchenne muscular dystrophy. Last evaluated: 2022-10-13. Review status: criteria provided, single submitter. Criteria: Invitae Variant Classification Sherloc (09022015). Collection method: clinical testing. Allele origin: germline.
Comment: This variant results in a copy number gain of the genomic region encompassing exon(s) 44 of the DMD gene. While the exact position of this variant cannot be determined from the data, sub-genic copy number gains are generally in tandem (PMID: 25640679). This variant is predicted to be out-of-frame, and may result in an absent or disrupted protein product. Loss-of-function variants in DMD are known to be pathogenic (PMID: 16770791, 25007885). A similar copy number variant has been observed in individuals with Duchenne or Becker muscular dystrophy (PMID: 12111668, 16917894, 25482253). For these reasons, this variant has been classified as Pathogenic.

Literature cited by the submitters: PubMed 25640679; PubMed 16770791; PubMed 25007885; PubMed 12111668; PubMed 16917894; PubMed 25482253.

NC_000023.11:g.(?_32216906)_(32217073_?)dup

Gene: DMD (dystrophin; minus strand). Cytogenetic location: Xp21.1.
Variant type: Duplication.
Identifiers: ClinVar variation 832830 (VCV000832830.2).